The following is an entry in ClinVar:

ClinVar aggregate classification (germline): Uncertain significance (1 of 4 stars; one submission).

Conditions:
Congenital glucose-galactose malabsorption (GGM). Also called: DIARRHEA 16; MONOSACCHARIDE MALABSORPTION. Identifiers: Orphanet 35710, MedGen C0268186, MONDO:0011731, OMIM 606824.

Allele frequency attached by ClinVar (database versions not stated): gnomAD exomes below 0.00001; ExAC 0.00001.
gnomAD v4.1: 4 of 1,614,182 alleles (0.00025%); highest among the groups gnomAD compares: Middle Eastern, 0.017%; no homozygotes.

Submission:

Labcorp Genetics (formerly Invitae), Labcorp
Classification: Uncertain significance for Congenital glucose-galactose malabsorption. Last evaluated: 2025-06-09. Review status: criteria provided, single submitter. Criteria: Invitae Variant Classification Sherloc (09022015). Collection method: clinical testing. Allele origin: germline.
Comment: This sequence change replaces valine, which is neutral and non-polar, with glycine, which is neutral and non-polar, at codon 543 of the SLC5A1 protein (p.Val543Gly). This variant is present in population databases (rs751495719, gnomAD 0.003%). This variant has not been reported in the literature in individuals affected with SLC5A1-related conditions. ClinVar contains an entry for this variant (Variation ID: 2074883). Invitae Evidence Modeling of protein sequence and biophysical properties (such as structural, functional, and spatial information, amino acid conservation, physicochemical variation, residue mobility, and thermodynamic stability) indicates that this missense variant is not expected to disrupt SLC5A1 protein function with a negative predictive value of 95%. In summary, the available evidence is currently insufficient to determine the role of this variant in disease. Therefore, it has been classified as a Variant of Uncertain Significance.

NM_000343.4(SLC5A1):c.1628T>G (p.Val543Gly)

Gene: SLC5A1 (solute carrier family 5 member 1; plus strand). Cytogenetic location: 22q12.3.
Variant type: single nucleotide variant.
Coding change: c.1628T>G on transcript NM_000343.4 (MANE Select); coding-DNA position 1628, T replaced by G.
Protein change: p.Val543Gly; replaces valine 543 with glycine.
Molecular consequence: missense variant.
Genome position (GRCh38, 1-based): chr22:32,102,200, T>G. VCF-style: chr22-32102200-T-G. GRCh37 (hg19) VCF-style: chr22-32498187-T-G.
Other names: c.1247T>G, p.Val416Gly (NM_001256314.2); short protein forms V416G, V543G.
Identifiers: ClinVar variation 2074883 (VCV002074883.2), dbSNP rs751495719, ClinGen allele CA10198271.